The following is an entry in ClinVar:

NM_001379500.1(COL18A1):c.107-12152C>A

Gene: COL18A1 (collagen type XVIII alpha 1 chain; plus strand). Cytogenetic location: 21q22.3.
Variant type: single nucleotide variant.
Coding change: c.107-12152C>A on transcript NM_001379500.1 (MANE Select); 12152 bases into the intron before coding-DNA position 107, C replaced by A.
Molecular consequence: intron variant. On other transcripts: missense variant (2).
Genome position (GRCh38, 1-based): chr21:45,456,090, C>A. VCF-style: chr21-45456090-C-A. GRCh37 (hg19) VCF-style: chr21-46876004-C-A.
Other names: c.560C>A, p.Thr187Asn (NM_030582.4, NM_130444.3); short protein forms T187N.
Identifiers: ClinVar variation 1517577 (VCV001517577.3), dbSNP rs142892701, ClinGen allele CA10065513.
Genomic context (GRCh38, chr21:45,456,090, plus strand): 5'-CTCTCTGGCCCAGCCGTGGCATTCCTAGCTCTCCGGGCGCCCACACAACCGAGGCTGGCA[C>A]CTTGCCTGCACCCACCCCATCGCCTCCCTCCCTGGGCAGGCCCTGGGCACCACTCACGGG-3'

ClinVar aggregate classification (germline): Uncertain significance (1 of 4 stars; one submission).

gnomAD v4.1: 5 of 1,599,660 alleles (0.00031%); highest among the groups gnomAD compares: Non-Finnish European, 0.00043%; no homozygotes.

Submission:

Labcorp Genetics (formerly Invitae), Labcorp
Classification: Uncertain significance. Last evaluated: 2022-07-12. Review status: criteria provided, single submitter. Criteria: Invitae Variant Classification Sherloc (09022015). Collection method: clinical testing. Allele origin: germline.
Comment: The COL18A1 gene has multiple clinically relevant transcripts. This variant occurs in alternate transcript NM_030582.3, and corresponds to NM_130445.3:c.107-12152C>A in the primary transcript. This sequence change replaces threonine, which is neutral and polar, with asparagine, which is neutral and polar, at codon 187 of the COL18A1 protein (p.Thr187Asn). This variant is present in population databases (rs142892701, gnomAD 0.002%). This variant has not been reported in the literature in individuals affected with COL18A1-related conditions. ClinVar contains an entry for this variant (Variation ID: 1517577). Experimental studies and prediction algorithms are not available or were not evaluated, and the functional significance of this variant is currently unknown. In summary, the available evidence is currently insufficient to determine the role of this variant in disease. Therefore, it has been classified as a Variant of Uncertain Significance.